The following is an entry in ClinVar:

ClinVar aggregate classification (germline): Uncertain significance (1 of 4 stars; one submission).

Conditions:
Hereditary sensory and autonomic neuropathy type 7. Also called: Neuropathy, hereditary sensory and autonomic, type VII; HSAN VII. Identifiers: Orphanet 391397, MedGen C3809882, MONDO:0014244, OMIM 615548.
Familial episodic pain syndrome with predominantly lower limb involvement. Also called: Episodic pain syndrome, familial, 3. Identifiers: Orphanet 391384, Orphanet 391392, MedGen C3809899, MONDO:0014247, OMIM 615552.

Allele frequency attached by ClinVar (database versions not stated): gnomAD exomes below 0.00001.
gnomAD v4.1: 2 of 1,613,448 alleles (0.00012%); highest among the groups gnomAD compares: South Asian, 0.0011%; no homozygotes.

Submission:

Labcorp Genetics (formerly Invitae), Labcorp
Classification: Uncertain significance for Familial episodic pain syndrome with predominantly lower limb involvement; Hereditary sensory and autonomic neuropathy type 7. Last evaluated: 2018-02-23. Review status: criteria provided, single submitter. Criteria: Invitae Variant Classification Sherloc (09022015). Collection method: clinical testing. Allele origin: germline.
Comment: In summary, this variant is a novel missense change with uncertain impact on protein function. It has been classified as a Variant of Uncertain Significance. Algorithms developed to predict the effect of missense changes on protein structure and function (SIFT, PolyPhen-2, Align-GVGD) all suggest that this variant is likely to be disruptive, but these predictions have not been confirmed by published functional studies. This variant is not present in population databases (ExAC no frequency) and has not been reported in the literature in individuals with an SCN11A-related disease. This sequence change replaces cysteine with tyrosine at codon 313 of the SCN11A protein (p.Cys313Tyr). The cysteine residue is highly conserved and there is a large physicochemical difference between cysteine and tyrosine.

NM_001349253.2(SCN11A):c.938G>A (p.Cys313Tyr)

Gene: SCN11A (sodium voltage-gated channel alpha subunit 11; minus strand). Cytogenetic location: 3p22.2.
Variant type: single nucleotide variant.
Coding change: c.938G>A on transcript NM_001349253.2 (MANE Select); coding-DNA position 938, G replaced by A.
Protein change: p.Cys313Tyr; replaces cysteine 313 with tyrosine.
Molecular consequence: missense variant.
Genome position (GRCh38, 1-based): chr3:38,919,956, C>T on the plus strand (G>A on the coding strand, the complement: SCN11A is on the minus strand). VCF-style: chr3-38919956-C-T. GRCh37 (hg19) VCF-style: chr3-38961447-C-T.
Other names: c.938G>A, p.Cys313Tyr (NM_014139.3); short protein forms C313Y.
Identifiers: ClinVar variation 474758 (VCV000474758.4), dbSNP rs1483985149, ClinGen allele CA352170622.
Genomic context (GRCh38, chr3:38,919,956, plus strand): 5'-GTACTCTTCTTGGGAGGAAAATGATTATAAACCTCTTACCTGTTACCCATCCAGATGCCA[C>T]ACATTTTGAATTCAGGTGAATTTTCTTTCTTTTCAAAGCAATGGTCTGAGAGAGGAAAAA-3'
Protein context (NP_001336182.1, residues 303-323): KKENSPEFKM[Cys313Tyr]GIWMGNSACS